The following is an entry in ClinVar:

NM_013436.5(NCKAP1):c.1783A>G (p.Ser595Gly)

Gene: NCKAP1 (NCK associated protein 1; minus strand). Cytogenetic location: 2q32.1.
Variant type: single nucleotide variant.
Coding change: c.1783A>G on transcript NM_013436.5 (MANE Select); coding-DNA position 1783, A replaced by G.
Protein change: p.Ser595Gly; replaces serine 595 with glycine.
Molecular consequence: missense variant.
Genome position (GRCh38, 1-based): chr2:182,962,257, T>C on the plus strand (A>G on the coding strand, the complement: NCKAP1 is on the minus strand). VCF-style: chr2-182962257-T-C. GRCh37 (hg19) VCF-style: chr2-183826985-T-C.
Other names: c.1801A>G, p.Ser601Gly (NM_205842.3); short protein forms S595G, S601G.
Identifiers: ClinVar variation 3373654 (VCV003373654.1).

ClinVar aggregate classification (germline): Uncertain significance (1 of 4 stars; one submission).

gnomAD v4.1: 9 of 1,608,980 alleles (0.00056%); highest among the groups gnomAD compares: African/African-American, 0.0013%; no homozygotes.

Submission:

GeneDx
Classification: Uncertain significance. Last evaluated: 2024-03-17. Review status: criteria provided, single submitter. Criteria: GeneDx Variant Classification Process June 2021. Collection method: clinical testing. Allele origin: germline. Affected: yes.
Comment: Not observed at significant frequency in large population cohorts (gnomAD); In silico analysis supports that this missense variant does not alter protein structure/function; Has not been previously published as pathogenic or benign to our knowledge